The following is an entry in ClinVar:

NM_002439.5(MSH3):c.1408C>A (p.Gln470Lys)

Gene: MSH3 (mutS homolog 3; plus strand). Cytogenetic location: 5q14.1.
Variant type: single nucleotide variant.
Coding change: c.1408C>A on transcript NM_002439.5 (MANE Select); coding-DNA position 1408, C replaced by A.
Protein change: p.Gln470Lys; replaces glutamine 470 with lysine.
Molecular consequence: missense variant.
Genome position (GRCh38, 1-based): chr5:80,725,520, C>A. VCF-style: chr5-80725520-C-A. GRCh37 (hg19) VCF-style: chr5-80021339-C-A.
Other names: c.1408C>A (NM_002439.3); short protein forms Q470K.
Identifiers: ClinVar variation 665786 (VCV000665786.10), dbSNP rs1580587461, ClinGen allele CA360273589.
Genomic context (GRCh38, chr5:80,725,520, plus strand): 5'-GATGACAGAATTCGAGTCGAAAGGATGGATAACATTTATTTTGAATACAGCCATGCTTTC[C>A]AGGCAGTTACAGAGTTTTATGCAAAAGATACAGTTGACATCAAAGGTAAATATTTTCCCT-3'
Protein context (NP_002430.3, residues 460-480): NIYFEYSHAF[Gln470Lys]AVTEFYAKDT

ClinVar aggregate classification (germline): Uncertain significance. Review status: criteria provided, multiple submitters, no conflicts (2 of 4 stars). 3 submissions from 3 submitters: Uncertain significance (3). Last evaluated 2024-04-29.

Conditions:
Familial adenomatous polyposis 4 (FAP4). Also called: MSH3-related attenuated familial adenomatous polyposis. Identifiers: Orphanet 480536, MedGen C4310719, MONDO:0044300, OMIM 617100.
Endometrial carcinoma. Also called: Endometrial carcinoma, somatic. Identifiers: MedGen C0476089, MONDO:0002447, OMIM 608089, HP:0012114.
Hereditary cancer-predisposing syndrome. Also called: Tumor predisposition; Hereditary neoplastic syndrome; Neoplastic Syndromes, Hereditary; Hereditary Cancer Syndrome. Identifiers: Orphanet 140162, MedGen C0027672, MeSH D009386, MONDO:0015356.

Submissions (3):

Fulgent Genetics
Classification: Uncertain significance for Endometrial carcinoma; Familial adenomatous polyposis 4. Last evaluated: 2024-04-29. Review status: criteria provided, single submitter. Criteria: ACMG Guidelines, 2015. Collection method: clinical testing. Allele origin: germline.

Ambry Genetics
Classification: Uncertain significance for Hereditary cancer-predisposing syndrome. Last evaluated: 2024-03-16. Review status: criteria provided, single submitter. Criteria: Ambry Variant Classification Scheme 2023. Collection method: clinical testing. Allele origin: germline.
Comment: The p.Q470K variant (also known as c.1408C>A), located in coding exon 9 of the MSH3 gene, results from a C to A substitution at nucleotide position 1408. The glutamine at codon 470 is replaced by lysine, an amino acid with similar properties. This amino acid position is conserved. In addition, the in silico prediction for this alteration is inconclusive. Based on the available evidence, the clinical significance of this alteration remains unclear.

Labcorp Genetics (formerly Invitae), Labcorp
Classification: Uncertain significance. Last evaluated: 2023-01-13. Review status: criteria provided, single submitter. Criteria: Invitae Variant Classification Sherloc (09022015). Collection method: clinical testing. Allele origin: germline.
Comment: This sequence change replaces glutamine, which is neutral and polar, with lysine, which is basic and polar, at codon 470 of the MSH3 protein (p.Gln470Lys). This variant is not present in population databases (gnomAD no frequency). This variant has not been reported in the literature in individuals affected with MSH3-related conditions. ClinVar contains an entry for this variant (Variation ID: 665786). Algorithms developed to predict the effect of missense changes on protein structure and function are either unavailable or do not agree on the potential impact of this missense change (SIFT: "Deleterious"; PolyPhen-2: "Benign"; Align-GVGD: "Class C0"). In summary, the available evidence is currently insufficient to determine the role of this variant in disease. Therefore, it has been classified as a Variant of Uncertain Significance.